The following is an entry in ClinVar:

NM_014727.3(KMT2B):c.6802C>A (p.Pro2268Thr)

Gene: KMT2B (lysine methyltransferase 2B; plus strand). Cytogenetic location: 19q13.12.
Variant type: single nucleotide variant.
Coding change: c.6802C>A on transcript NM_014727.3 (MANE Select); coding-DNA position 6802, C replaced by A.
Protein change: p.Pro2268Thr; replaces proline 2268 with threonine.
Molecular consequence: missense variant.
Genome position (GRCh38, 1-based): chr19:35,733,351, C>A. VCF-style: chr19-35733351-C-A. GRCh37 (hg19) VCF-style: chr19-36224252-C-A.
Other names: short protein forms P2268T.
Identifiers: ClinVar variation 4680980 (VCV004680980.1).

ClinVar aggregate classification (germline): Uncertain significance (1 of 4 stars; one submission).

Submission:

GeneDx
Classification: Uncertain significance. Last evaluated: 2025-06-25. Review status: criteria provided, single submitter. Criteria: GeneDx Variant Classification Process June 2021. Collection method: clinical testing. Allele origin: germline. Affected: yes.
Comment: Not observed at significant frequency in large population cohorts (gnomAD); In silico analysis suggests that this missense variant does not alter protein structure/function; Has not been previously published as pathogenic or benign to our knowledge